The following is an entry in ClinVar:

NM_006567.5(FARS2):c.973G>A (p.Asp325Asn)

Gene: FARS2 (phenylalanyl-tRNA synthetase 2, mitochondrial; plus strand). Cytogenetic location: 6p25.1.
Variant type: single nucleotide variant.
Coding change: c.973G>A on transcript NM_006567.5 (MANE Select); coding-DNA position 973, G replaced by A.
Protein change: p.Asp325Asn; replaces aspartic acid 325 with asparagine.
Molecular consequence: missense variant.
Genome position (GRCh38, 1-based): chr6:5,545,248, G>A. VCF-style: chr6-5545248-G-A. GRCh37 (hg19) VCF-style: chr6-5545481-G-A.
Other names: c.973G>A (NM_006567.4); c.973G>A, p.Asp325Asn (NM_001318872.2, NM_001374875.1, NM_001374876.1 and 4 more transcripts); c.841G>A, p.Asp281Asn (NM_001375258.1); c.277G>A, p.Asp93Asn (NM_001375259.1, NM_001375260.1); short protein forms D325N, D281N, D93N.
Identifiers: ClinVar variation 377108 (VCV000377108.20), dbSNP rs764427452, ClinGen allele CA3623847.

ClinVar aggregate classification (germline): Uncertain significance. Review status: criteria provided, multiple submitters, no conflicts (2 of 4 stars). 5 submissions from 5 submitters: Uncertain significance (5). Last evaluated 2026-01-09.

Conditions:
Combined oxidative phosphorylation defect type 14. Also called: Combined oxidative phosphorylation deficiency 14. Identifiers: Orphanet 319519, MedGen C4755312, MONDO:0013986, OMIM 614946.

Allele frequency attached by ClinVar (database versions not stated): gnomAD exomes 0.00003 and 0.00008; TOPMed 0.00005; ExAC 0.00007; gnomAD 0.00007.
gnomAD v4.1: 57 of 1,613,894 alleles (0.0035%); highest among the groups gnomAD compares: East Asian, 0.038%; no homozygotes.

Submissions (5):

Labcorp Genetics (formerly Invitae), Labcorp
Classification: Uncertain significance for Combined oxidative phosphorylation defect type 14. Last evaluated: 2026-01-09. Review status: criteria provided, single submitter. Criteria: Invitae Variant Classification Sherloc (09022015). Collection method: clinical testing. Allele origin: germline.
Comment: This sequence change replaces aspartic acid, which is acidic and polar, with asparagine, which is neutral and polar, at codon 325 of the FARS2 protein (p.Asp325Asn). This variant is present in population databases (rs764427452, gnomAD 0.04%). This variant has not been reported in the literature in individuals affected with FARS2-related conditions. ClinVar contains an entry for this variant (Variation ID: 377108). Invitae Evidence Modeling of protein sequence and biophysical properties (such as structural, functional, and spatial information, amino acid conservation, physicochemical variation, residue mobility, and thermodynamic stability) indicates that this missense variant is not expected to disrupt FARS2 protein function with a negative predictive value of 95%. In summary, the available evidence is currently insufficient to determine the role of this variant in disease. Therefore, it has been classified as a Variant of Uncertain Significance.

Women's Health and Genetics/Laboratory Corporation of America, LabCorp
Classification: Uncertain significance. Last evaluated: 2025-04-15. Review status: criteria provided, single submitter. Criteria: LabCorp Variant Classification Summary - May 2015. Collection method: clinical testing. Allele origin: germline.
Comment: Variant summary: FARS2 c.973G>A (p.Asp325Asn) results in a conservative amino acid change located in the Phenylalanyl-tRNA synthetase (IPR002319) of the encoded protein sequence. Five of five in-silico tools predict a benign effect of the variant on protein function. The variant allele was found at a frequency of 7.6e-05 in 251274 control chromosomes. This frequency is not significantly higher than estimated for a pathogenic variant in FARS2 causing FARS2-Related Disorders, allowing no conclusion about variant significance. To our knowledge, no occurrence of c.973G>A in individuals affected with FARS2-Related Disorders and no experimental evidence demonstrating its impact on protein function have been reported. ClinVar contains an entry for this variant (Variation ID: 377108). Based on the evidence outlined above, the variant was classified as uncertain significance.

GeneDx
Classification: Uncertain significance. Last evaluated: 2023-05-30. Review status: criteria provided, single submitter. Criteria: GeneDx Variant Classification Process June 2021. Collection method: clinical testing. Allele origin: germline. Affected: yes.
Comment: In silico analysis supports that this missense variant does not alter protein structure/function; Has not been previously published as pathogenic or benign to our knowledge

ARUP Laboratories, Molecular Genetics and Genomics, ARUP Laboratories
Classification: Uncertain significance. Last evaluated: 2020-06-28. Review status: criteria provided, single submitter. Criteria: ARUP Molecular Germline Variant Investigation Process. Collection method: clinical testing. Allele origin: germline.

Center for Pediatric Genomic Medicine, Children's Mercy Hospital and Clinics
Classification: Uncertain significance. Last evaluated: 2016-10-24. Review status: criteria provided, single submitter. Criteria: ACMG Guidelines, 2015. Collection method: clinical testing. Allele origin: germline.
ClinVar note: Converted during submission from Uncertain Significance to Uncertain significance.